The following is an entry in ClinVar:

ClinVar aggregate classification (germline): Benign. Review status: criteria provided, multiple submitters, no conflicts (2 of 4 stars). 3 submissions from 3 submitters: Benign (3). Last evaluated 2018-01-12.

Conditions:
Autosomal dominant polycystic kidney disease. Identifiers: Orphanet 730, MedGen C0085413, MONDO:0004691.
Polycystic kidney disease 2 (PKD2). Also called: Polycystic Kidney Disease 2, Autosomal Dominant; POLYCYSTIC KIDNEY DISEASE, ADULT, TYPE II; POLYCYSTIC KIDNEY DISEASE 2 WITH OR WITHOUT POLYCYSTIC LIVER DISEASE. Identifiers: MedGen C2751306, MONDO:0013131, OMIM 613095.

Allele frequency attached by ClinVar (database versions not stated): gnomAD 0.08186 and 0.08381; TOPMed 0.09082; 1000 Genomes Project 30x 0.09619; 1000 Genomes Project 0.09864.

Submissions (3):

Illumina Laboratory Services, Illumina
Classification: Benign for Polycystic kidney disease 2. Last evaluated: 2018-01-12. Review status: criteria provided, single submitter. Criteria: ICSL Variant Classification Criteria 13 December 2019. Collection method: clinical testing. Allele origin: germline.
Comment: This variant was observed in the ICSL laboratory as part of a predisposition screen in an ostensibly healthy population. It had not been previously curated by ICSL or reported in the Human Gene Mutation Database (HGMD: prior to June 1st, 2018), and was therefore a candidate for classification through an automated scoring system. Utilizing variant allele frequency, disease prevalence and penetrance estimates, and inheritance mode, an automated score was calculated to assess if this variant is too frequent to cause the disease. Based on the score and internal cut-off values, a variant classified as benign is not then subjected to further curation. The score for this variant resulted in a classification of benign for this disease.

Department of Pathology and Laboratory Medicine, Sinai Health System
Classification: Benign for autosomal dominant polycystic kidney disease. Last evaluated: 2016-02-19. Review status: criteria provided, single submitter. Criteria: ACMG Guidelines, 2015. Collection method: clinical testing. Allele origin: germline.

Breakthrough Genomics
Classification: Benign. Review status: criteria provided, single submitter. Criteria: ACMG Guidelines, 2015. Collection method: not provided. Allele origin: germline. Inheritance: Autosomal dominant inheritance. Affected: yes.

NM_000297.4(PKD2):c.*1030G>A

Gene: PKD2 (polycystin 2, transient receptor potential cation channel; plus strand). Cytogenetic location: 4q22.1.
Variant type: single nucleotide variant.
Coding change: c.*1030G>A on transcript NM_000297.4 (MANE Select); 1030 bases downstream of the stop codon, G replaced by A.
Molecular consequence: 3 prime UTR variant. On other transcripts: non-coding transcript variant (1).
Genome position (GRCh38, 1-based): chr4:88,076,724, G>A. VCF-style: chr4-88076724-G-A. GRCh37 (hg19) VCF-style: chr4-88997876-G-A.
Identifiers: ClinVar variation 350045 (VCV000350045.7), dbSNP rs2725202, ClinGen allele CA10619522.
Genomic context (GRCh38, chr4:88,076,724, plus strand): 5'-AAAGCATTTGGTTTTAAACTATTTTAAGAATATAGTACTCGGTCAGGTATGACGGCTCAC[G>A]CCTGTAATCCCAGCACTTTGGGAGGCCGAAACAGGCGAATCACTTGAGCCCAGGAGTTCA-3'